The following is an entry in ClinVar:

ClinVar aggregate classification (germline): Likely benign (1 of 4 stars; one submission).

gnomAD v4.1: 1 of 1,613,998 alleles (0.000062%); highest among the groups gnomAD compares: Admixed American, 0.0017%; no homozygotes.

Submission:

CeGaT Center for Human Genetics Tuebingen
Classification: Likely benign. Last evaluated: 2024-10-01. Review status: criteria provided, single submitter. Criteria: CeGaT Center For Human Genetics Tuebingen Variant Classification Criteria Version 2. Collection method: clinical testing. Allele origin: germline. Affected: yes. Observed: 1 variant allele.
Comment: XPO6: BP4, BP7

NM_015171.4(XPO6):c.390T>C (p.Phe130=)

Gene: XPO6 (exportin 6; minus strand). Cytogenetic location: 16p12.1.
Variant type: single nucleotide variant.
Coding change: c.390T>C on transcript NM_015171.4 (MANE Select); coding-DNA position 390, T replaced by C.
Protein change: p.Phe130=; no amino-acid change (phenylalanine 130 retained).
Molecular consequence: synonymous variant.
Genome position (GRCh38, 1-based): chr16:28,175,913, A>G on the plus strand (T>C on the coding strand, the complement: XPO6 is on the minus strand). VCF-style: chr16-28175913-A-G. GRCh37 (hg19) VCF-style: chr16-28187234-A-G.
Other names: c.348T>C, p.Phe116= (NM_001270940.2).
Identifiers: ClinVar variation 3388866 (VCV003388866.14).